The following is an entry in ClinVar:

ClinVar aggregate classification (germline): Likely benign. Review status: criteria provided, multiple submitters, no conflicts (2 of 4 stars). 2 submissions from 2 submitters: Likely benign (2). Last evaluated 2026-01-26.

Conditions:
Hereditary diffuse gastric adenocarcinoma (HDGC). Also called: DIFFUSE GASTRIC AND LOBULAR BREAST CANCER SYNDROME. Identifiers: Orphanet 26106, MedGen C1708349, MONDO:0007648, OMIM 137215.

Submissions (2):

Labcorp Genetics (formerly Invitae), Labcorp
Classification: Likely benign for Hereditary diffuse gastric adenocarcinoma. Last evaluated: 2026-01-26. Review status: criteria provided, single submitter. Criteria: Invitae Variant Classification Sherloc (09022015). Collection method: clinical testing. Allele origin: germline.

Myriad Genetics, Inc.
Classification: Likely benign for Hereditary diffuse gastric adenocarcinoma. Last evaluated: 2024-09-11. Review status: criteria provided, single submitter. Criteria: Myriad Autosomal Dominant, Autosomal Recessive and X-Linked Classification Criteria (2023). Collection method: clinical testing. Allele origin: unknown.
Comment: This variant is considered likely benign. This variant is intronic and is not expected to impact mRNA splicing.

NM_004360.5(CDH1):c.49-13dup

Gene: CDH1 (cadherin 1; plus strand). Cytogenetic location: 16q22.1.
Variant type: Duplication.
Coding change: c.49-13dup on transcript NM_004360.5 (MANE Select); 13 bases into the intron before coding-DNA position 49, one base duplicated (T; older notation c.49-13dupT).
Molecular consequence: intron variant.
Genome position (GRCh38, 1-based): chr16:68,738,284, T duplicated; the last of 3 consecutive T bases (chr16:68,738,282-68,738,284); duplicating any one gives the same sequence. VCF-style (leftmost placement, unchanged base first): chr16-68738281-C-CT. GRCh37 (hg19) VCF-style: chr16-68772184-C-CT.
Other names: c.-1567-13dup (NM_001317185.2); c.-1771-13dup (NM_001317186.2); c.49-13dup (NM_001317184.2).
Identifiers: ClinVar variation 1530491 (VCV001530491.9), dbSNP rs2152114312, ClinGen allele CA2573152513.
Genomic context (GRCh38, chr16:68,738,281, plus strand): 5'-GCGGCGCTGTTGGTTTCGGTGAGCAGGAGGGAACCCTCCGAGTCACCCGGTTCCATCTAC[C>CT]TTTCCCCCACCCCAGGTCTCCTCTTGGCTCTGCCAGGAGCCGGAGCCCTGCCACCCTGGC-3'